The following is an entry in ClinVar:

ClinVar aggregate classification (germline): Uncertain significance. Review status: criteria provided, multiple submitters, no conflicts (2 of 4 stars). 2 submissions from 2 submitters: Uncertain significance (2). Last evaluated 2022-09-01.

Conditions:
LZTS1-related disorder. Also called: LZTS1-related condition.

Allele frequency attached by ClinVar (database versions not stated): gnomAD 0.00001; TOPMed 0.00001; ExAC 0.00002.
gnomAD v4.1: 22 of 1,614,046 alleles (0.0014%); highest among the groups gnomAD compares: Admixed American, 0.0083%; no homozygotes.

Submissions (2):

PreventionGenetics, part of Exact Sciences
Classification: Uncertain significance for LZTS1-related condition. Last evaluated: 2022-09-01. Review status: criteria provided, single submitter. Criteria: ACMG Guidelines, 2015. Collection method: clinical testing. Allele origin: germline.
Comment: The LZTS1 c.1585C>T variant is predicted to result in the amino acid substitution p.Arg529Trp. This variant was reported in two unrelated individual with Ehlers-Danlos syndrome, hypermobility type (EDS-HT) or benign joint hypermobility syndrome (BJHS) (Syx et al. 2015. PubMed ID: 26504261). This variant is reported in 0.014% of alleles in individuals of Latino descent in gnomAD. At this time, the clinical significance of this variant is uncertain due to the absence of conclusive functional and genetic evidence.

Labcorp Genetics (formerly Invitae), Labcorp
Classification: Uncertain significance. Last evaluated: 2022-05-08. Review status: criteria provided, single submitter. Criteria: Invitae Variant Classification Sherloc (09022015). Collection method: clinical testing. Allele origin: germline.
Comment: In summary, the available evidence is currently insufficient to determine the role of this variant in disease. Therefore, it has been classified as a Variant of Uncertain Significance. Algorithms developed to predict the effect of missense changes on protein structure and function are either unavailable or do not agree on the potential impact of this missense change (SIFT: "Deleterious"; PolyPhen-2: "Probably Damaging"; Align-GVGD: "Class C0"). This missense change has been observed in individual(s) with LZTS1-related conditions (PMID: 26504261). This variant is present in population databases (rs773191392, gnomAD 0.01%). This sequence change replaces arginine, which is basic and polar, with tryptophan, which is neutral and slightly polar, at codon 529 of the LZTS1 protein (p.Arg529Trp).

Literature cited by the submitters: PubMed 26504261 (cited by Labcorp Genetics (formerly Invitae), Labcorp).

NM_021020.5(LZTS1):c.1585C>T (p.Arg529Trp)

Gene: LZTS1 (leucine zipper tumor suppressor 1; minus strand). Cytogenetic location: 8p21.3.
Variant type: single nucleotide variant.
Coding change: c.1585C>T on transcript NM_021020.5 (MANE Select); coding-DNA position 1585, C replaced by T.
Protein change: p.Arg529Trp; replaces arginine 529 with tryptophan.
Molecular consequence: missense variant.
Genome position (GRCh38, 1-based): chr8:20,249,928, G>A on the plus strand (C>T on the coding strand, the complement: LZTS1 is on the minus strand). VCF-style: chr8-20249928-G-A. GRCh37 (hg19) VCF-style: chr8-20107439-G-A.
Other names: c.1585C>T, p.Arg529Trp (NM_001362884.2); c.1585C>T (NM_021020.3); short protein forms R529W.
Identifiers: ClinVar variation 2136645 (VCV002136645.5), dbSNP rs773191392, ClinGen allele CA4657232.